The following is an entry in ClinVar:

ClinVar aggregate classification (germline): Uncertain significance (1 of 4 stars; one submission).

Conditions:
DICER1-related tumor predisposition. Also called: DICER1-related pleuropulmonary blastoma cancer predisposition syndrome; DICER1 syndrome. Identifiers: Orphanet 284343, MedGen C3839822, MONDO:0100216.

Submission:

Labcorp Genetics (formerly Invitae), Labcorp
Classification: Uncertain significance for DICER1-related tumor predisposition. Last evaluated: 2024-07-30. Review status: criteria provided, single submitter. Criteria: Invitae Variant Classification Sherloc (09022015). Collection method: clinical testing. Allele origin: germline.
Comment: This sequence change replaces asparagine, which is neutral and polar, with threonine, which is neutral and polar, at codon 1660 of the DICER1 protein (p.Asn1660Thr). This variant is not present in population databases (gnomAD no frequency). This variant has not been reported in the literature in individuals affected with DICER1-related conditions. Advanced modeling of protein sequence and biophysical properties (such as structural, functional, and spatial information, amino acid conservation, physicochemical variation, residue mobility, and thermodynamic stability) performed at Invitae indicates that this missense variant is not expected to disrupt DICER1 protein function with a negative predictive value of 80%. In summary, the available evidence is currently insufficient to determine the role of this variant in disease. Therefore, it has been classified as a Variant of Uncertain Significance.

NM_177438.3(DICER1):c.4979A>C (p.Asn1660Thr)

Gene: DICER1 (dicer 1, ribonuclease III; minus strand). Cytogenetic location: 14q32.13.
Variant type: single nucleotide variant.
Coding change: c.4979A>C on transcript NM_177438.3 (MANE Select); coding-DNA position 4979, A replaced by C.
Protein change: p.Asn1660Thr; replaces asparagine 1660 with threonine.
Molecular consequence: missense variant. On other transcripts: non-coding transcript variant (6).
Genome position (GRCh38, 1-based): chr14:95,095,941, T>G on the plus strand (A>C on the coding strand, the complement: DICER1 is on the minus strand). VCF-style: chr14-95095941-T-G. GRCh37 (hg19) VCF-style: chr14-95562278-T-G.
Other names: c.4979A>C, p.Asn1660Thr (NM_001195573.1, NM_001271282.3, NM_001291628.2 and 12 more transcripts); c.4697A>C, p.Asn1566Thr (NM_001395686.1); c.4574A>C, p.Asn1525Thr (NM_001395687.1, NM_001395688.1, NM_001395689.1 and 2 more transcripts); c.4412A>C, p.Asn1471Thr (NM_001395691.1); c.3296A>C, p.Asn1099Thr (NM_001395697.1); short protein forms N1566T, N1660T, N1099T, N1471T, N1525T.
Identifiers: ClinVar variation 3660842 (VCV003660842.2).